The following is an entry in ClinVar:

NM_000059.4(BRCA2):c.2122del (p.Ser708fs)

Gene: BRCA2 (BRCA2 DNA repair associated; plus strand). Cytogenetic location: 13q13.1.
Variant type: Deletion.
Coding change: c.2122del on transcript NM_000059.4 (MANE Select); coding-DNA position 2122, one base deleted (T; older notation c.2122delT).
Protein change: p.Ser708fs; shifts the reading frame from serine 708.
Molecular consequence: frameshift variant.
Genome position (GRCh38, 1-based): chr13:32,336,477, T deleted; the last of 2 consecutive T bases (chr13:32,336,476-32,336,477); deleting either gives the same sequence. VCF-style (leftmost placement, unchanged base first): chr13-32336475-AT-A. GRCh37 (hg19) VCF-style: chr13-32910612-AT-A.
Other names: c.2122delT (NM_000059.3); short protein forms S708fs.
Identifiers: ClinVar variation 630868 (VCV000630868.3), dbSNP rs1566226165, ClinGen allele CA913188584.

ClinVar aggregate classification (germline): Pathogenic (1 of 4 stars; one submission).

Conditions:
Hereditary cancer-predisposing syndrome. Also called: Tumor predisposition; Neoplastic Syndromes, Hereditary; Hereditary neoplastic syndrome; Hereditary Cancer Syndrome. Identifiers: Orphanet 140162, MedGen C0027672, MeSH D009386, MONDO:0015356.

Submission:

Color Diagnostics, LLC DBA Color Health
Classification: Pathogenic for Hereditary cancer-predisposing syndrome. Last evaluated: 2020-05-20. Review status: criteria provided, single submitter. Criteria: ACMG Guidelines, 2015. Collection method: clinical testing. Allele origin: germline.
Comment: This variant deletes 1 nucleotide in exon 11 of the BRCA2 gene, creating a frameshift and premature translation stop signal. This variant is expected to result in an absent or non-functional protein product. To our knowledge, this variant has not been reported in individuals affected with hereditary cancer in the literature. This variant has not been identified in the general population by the Genome Aggregation Database (gnomAD). Loss of BRCA2 function is a known mechanism of disease. Based on the available evidence, this variant is classified as Pathogenic.